The following is an entry in ClinVar:

ClinVar aggregate classification (germline): Uncertain significance. Review status: criteria provided, multiple submitters, no conflicts (2 of 4 stars). 2 submissions from 2 submitters: Uncertain significance (2). Last evaluated 2025-09-25.

Conditions:
Inborn genetic diseases. Identifiers: MedGen C0950123, MeSH D030342.

Allele frequency attached by ClinVar (database versions not stated): ExAC 0.00002; gnomAD exomes 0.00001.
gnomAD v4.1: 20 of 1,595,826 alleles (0.0013%); highest among the groups gnomAD compares: Non-Finnish European, 0.0017%; no homozygotes.

Submissions (2):

Ambry Genetics
Classification: Uncertain significance for Inborn genetic diseases. Last evaluated: 2025-09-25. Review status: criteria provided, single submitter. Criteria: Ambry Variant Classification Scheme 2023. Collection method: clinical testing. Allele origin: germline.

GeneDx
Classification: Uncertain significance. Last evaluated: 2019-06-05. Review status: criteria provided, single submitter. Criteria: GeneDx Variant Classification Process June 2021. Collection method: clinical testing. Allele origin: germline. Affected: yes.
Comment: In silico analysis, which includes protein predictors and evolutionary conservation, supports that this variant does not alter protein structure/function; Has not been previously published as pathogenic or benign to our knowledge

NM_001271938.2(MEGF8):c.3037C>G (p.His1013Asp)

Gene: MEGF8 (multiple EGF like domains 8; plus strand). Cytogenetic location: 19q13.2.
Variant type: single nucleotide variant.
Coding change: c.3037C>G on transcript NM_001271938.2 (MANE Select); coding-DNA position 3037, C replaced by G.
Protein change: p.His1013Asp; replaces histidine 1013 with aspartic acid.
Molecular consequence: missense variant.
Genome position (GRCh38, 1-based): chr19:42,351,697, C>G. VCF-style: chr19-42351697-C-G. GRCh37 (hg19) VCF-style: chr19-42855849-C-G.
Other names: c.2836C>G, p.His946Asp (NM_001410.3); short protein forms H1013D, H946D.
Identifiers: ClinVar variation 1306310 (VCV001306310.5), dbSNP rs761975438, ClinGen allele CA9474887.
Genomic context (GRCh38, chr19:42,351,697, plus strand): 5'-CCATCCTGCAGTGTACACTCGGAGCCACGGTGCCGGAGCTGCGATGGCTTCCTGACCTGC[C>G]ATGAGTGTCTGCAGAGCCACGAGTGTGGCTGGTGTGGCAATGAGGACAACCCCACACTGG-3'
Protein context (NP_001258867.1, residues 1003-1023): CRSCDGFLTC[His1013Asp]ECLQSHECGW